The following is an entry in ClinVar:

NM_000868.4(HTR2C):c.618G>A (p.Thr206=)

Genes: HTR2C (5-hydroxytryptamine receptor 2C; plus strand), LOC126863306 (MED14-independent group 3 enhancer GRCh37_chrX:114140926-114142125; plus strand). Cytogenetic location: Xq23.
Variant type: single nucleotide variant.
Coding change: c.618G>A on transcript NM_000868.4 (MANE Select); coding-DNA position 618, G replaced by A.
Protein change: p.Thr206=; no amino-acid change (threonine 206 retained).
Molecular consequence: synonymous variant. On other transcripts: missense variant (1).
Genome position (GRCh38, 1-based): chrX:114,906,656, G>A. VCF-style: chrX-114906656-G-A. GRCh37 (hg19) VCF-style: chrX-114141219-G-A.
Other names: c.618G>A, p.Thr206= (NM_001256760.3); c.523G>A, p.Val175Met (NM_001256761.3); short protein forms V175M.
Identifiers: ClinVar variation 4984516 (VCV004984516.1).

ClinVar aggregate classification (germline): Uncertain significance (1 of 4 stars; one submission).

Conditions:
HTR2C-related disorder. Also called: HTR2C-related condition.

gnomAD v4.1: 3 of 1,211,158 alleles (0.00025%); highest among the groups gnomAD compares: Non-Finnish European, 0.00034%; no homozygotes.

Submission:

PreventionGenetics, part of Exact Sciences
Classification: Uncertain significance for HTR2C-related condition. Last evaluated: 2025-04-24. Review status: criteria provided, single submitter. Criteria: ACMG Guidelines, 2015. Collection method: clinical testing. Allele origin: germline.
Comment: The HTR2C c.523G>A variant is predicted to result in the amino acid substitution p.Val175Met. To our knowledge, this variant has not been reported in the literature or in a large population database (gnomAD), indicating this variant is rare. At this time, the clinical significance of this variant is uncertain due to the absence of conclusive functional and genetic evidence.